The following is an entry in ClinVar:

NM_003108.4(SOX11):c.1042_1044dup (p.Gly348_Ser349insGly)

Gene: SOX11 (SRY-box transcription factor 11; plus strand). Cytogenetic location: 2p25.2.
Variant type: Duplication.
Coding change: c.1042_1044dup on transcript NM_003108.4 (MANE Select); coding-DNA positions 1042 to 1044, 3 bases duplicated (GGC; older notation c.1042_1044dupGGC).
Protein change: p.Gly348_Ser349insGly.
Molecular consequence: inframe insertion.
Genome position (GRCh38, 1-based): chr2:5,693,763-5,693,765, GGC duplicated; duplicating any 3 consecutive bases within chr2:5,693,761-5,693,765 gives the same sequence; the c. name uses the placement nearest the transcript's 3' end. VCF-style (leftmost placement, unchanged base first): chr2-5693760-A-AGCG. GRCh37 (hg19) VCF-style: chr2-5833892-A-AGCG.
Identifiers: ClinVar variation 4722477 (VCV004722477.1).
Genomic context (GRCh38, chr2:5,693,760, plus strand): 5'-GCGCAGCCCGCGCTGTCGCCCGCGTCCTCGCGCTCGGTGTCCACCTCCTCGTCCAGCAGC[A>AGCG]GCGGCAGCAGCAGCGGCAGCAGCGGCGAGGACGCCGACGACCTGATGTTCGACCTGAGCT-3'

ClinVar aggregate classification (germline): Uncertain significance (1 of 4 stars; one submission).

Submission:

Labcorp Genetics (formerly Invitae), Labcorp
Classification: Uncertain significance. Last evaluated: 2025-07-09. Review status: criteria provided, single submitter. Criteria: Invitae Variant Classification Sherloc (09022015). Collection method: clinical testing. Allele origin: germline.
Comment: This variant, c.1042_1044dup, results in the insertion of 1 amino acid(s) of the SOX11 protein (p.Gly348dup), but otherwise preserves the integrity of the reading frame. This variant is not present in population databases (gnomAD no frequency). This variant has not been reported in the literature in individuals affected with SOX11-related conditions. In summary, the available evidence is currently insufficient to determine the role of this variant in disease. Therefore, it has been classified as a Variant of Uncertain Significance.